The following is an entry in ClinVar:

NM_133372.3(FNIP1):c.1520-2A>G

Gene: FNIP1 (folliculin interacting protein 1; minus strand). Cytogenetic location: 5q31.1.
Variant type: single nucleotide variant.
Coding change: c.1520-2A>G on transcript NM_133372.3 (MANE Select); the canonical splice acceptor site of the intron before coding-DNA position 1520, A replaced by G.
Molecular consequence: splice acceptor variant.
Genome position (GRCh38, 1-based): chr5:131,672,926, T>C on the plus strand (A>G on the coding strand, the complement: FNIP1 is on the minus strand). VCF-style: chr5-131672926-T-C. GRCh37 (hg19) VCF-style: chr5-131008619-T-C.
Other names: c.1385-2A>G (NM_001346114.2); c.1436-2A>G (NM_001008738.3).
Identifiers: ClinVar variation 2750318 (VCV002750318.3), dbSNP rs781076149, ClinGen allele CA360794369.

ClinVar aggregate classification (germline): Likely pathogenic (1 of 4 stars; one submission).

Submission:

Labcorp Genetics (formerly Invitae), Labcorp
Classification: Likely pathogenic. Last evaluated: 2023-10-05. Review status: criteria provided, single submitter. Criteria: Invitae Variant Classification Sherloc (09022015). Collection method: clinical testing. Allele origin: germline.
Comment: This sequence change affects an acceptor splice site in intron 13 of the FNIP1 gene. It is expected to disrupt RNA splicing. Variants that disrupt the donor or acceptor splice site typically lead to a loss of protein function (PMID: 16199547), and loss-of-function variants in FNIP1 are known to be pathogenic (PMID: 32181500, 32905580). This variant is not present in population databases (gnomAD no frequency). This variant has not been reported in the literature in individuals affected with FNIP1-related conditions. Algorithms developed to predict the effect of sequence changes on RNA splicing suggest that this variant may disrupt the consensus splice site. In summary, the currently available evidence indicates that the variant is pathogenic, but additional data are needed to prove that conclusively. Therefore, this variant has been classified as Likely Pathogenic.

Literature cited by the submitters: PubMed 16199547; PubMed 32181500; PubMed 32905580.